The following is an entry in ClinVar:

NM_001256007.3(PNPLA8):c.419C>T (p.Ser140Leu)

Gene: PNPLA8 (patatin like domain 8, phospholipase A2; minus strand). Cytogenetic location: 7q31.1.
Variant type: single nucleotide variant.
Coding change: c.419C>T on transcript NM_001256007.3 (MANE Select); coding-DNA position 419, C replaced by T.
Protein change: p.Ser140Leu; replaces serine 140 with leucine.
Molecular consequence: missense variant.
Genome position (GRCh38, 1-based): chr7:108,515,073, G>A on the plus strand (C>T on the coding strand, the complement: PNPLA8 is on the minus strand). VCF-style: chr7-108515073-G-A. GRCh37 (hg19) VCF-style: chr7-108155517-G-A.
Other names: c.419C>T, p.Ser140Leu (NM_001256008.3, NM_001256009.3, NM_015723.5); c.119C>T, p.Ser40Leu (NM_001256010.3, NM_001256011.3); short protein forms S40L, S140L.
Identifiers: ClinVar variation 4752859 (VCV004752859.1).

ClinVar aggregate classification (germline): Uncertain significance (1 of 4 stars; one submission).

gnomAD v4.1: 19 of 1,603,752 alleles (0.0012%); highest among the groups gnomAD compares: East Asian, 0.0022%; no homozygotes.

Submission:

Labcorp Genetics (formerly Invitae), Labcorp
Classification: Uncertain significance. Last evaluated: 2025-07-10. Review status: criteria provided, single submitter. Criteria: Invitae Variant Classification Sherloc (09022015). Collection method: clinical testing. Allele origin: germline.
Comment: This sequence change replaces serine, which is neutral and polar, with leucine, which is neutral and non-polar, at codon 140 of the PNPLA8 protein (p.Ser140Leu). This variant is present in population databases (rs768181060, gnomAD 0.005%). This variant has not been reported in the literature in individuals affected with PNPLA8-related conditions. An algorithm developed to predict the effect of missense changes on protein structure and function (PolyPhen-2) suggests that this variant is likely to be tolerated. In summary, the available evidence is currently insufficient to determine the role of this variant in disease. Therefore, it has been classified as a Variant of Uncertain Significance.